The following is an entry in ClinVar:

NM_000435.3(NOTCH3):c.545G>A (p.Arg182His)

Gene: NOTCH3 (notch receptor 3; minus strand). Cytogenetic location: 19p13.12.
Variant type: single nucleotide variant.
Coding change: c.545G>A on transcript NM_000435.3 (MANE Select); coding-DNA position 545, G replaced by A.
Protein change: p.Arg182His; replaces arginine 182 with histidine.
Molecular consequence: missense variant.
Genome position (GRCh38, 1-based): chr19:15,192,094, C>T on the plus strand (G>A on the coding strand, the complement: NOTCH3 is on the minus strand). VCF-style: chr19-15192094-C-T. GRCh37 (hg19) VCF-style: chr19-15302905-C-T.
Other names: short protein forms R182H.
Identifiers: ClinVar variation 447857 (VCV000447857.5), dbSNP rs767175703, ClinGen allele CA305777903.

ClinVar aggregate classification (germline): Conflicting classifications of pathogenicity. Review status: criteria provided, conflicting classifications (1 of 4 stars). 4 submissions from 4 submitters: Uncertain significance (3); Likely benign (1). Last evaluated 2024-10-22.

Conditions:
Cerebral arteriopathy, autosomal dominant, with subcortical infarcts and leukoencephalopathy, type 1 (CADASIL1). Also called: DEMENTIA, HEREDITARY MULTIINFARCT TYPE; CASIL; Cerebral arteriopathy with subcortical infarcts and leukoencephalopathy 1; CADASIL 1. Identifiers: Orphanet 136, MedGen C4551768, MONDO:0000914, OMIM 125310.

Allele frequency attached by ClinVar (database versions not stated): gnomAD 0.00002; TOPMed 0.00003.
gnomAD v4.1: 13 of 1,613,028 alleles (0.00081%); highest among the groups gnomAD compares: Middle Eastern, 0.016%; no homozygotes.

Submissions (4):

Labcorp Genetics (formerly Invitae), Labcorp
Classification: Uncertain significance. Last evaluated: 2024-10-22. Review status: criteria provided, single submitter. Criteria: Invitae Variant Classification Sherloc (09022015). Collection method: clinical testing. Allele origin: germline.
Comment: This sequence change replaces arginine, which is basic and polar, with histidine, which is basic and polar, at codon 182 of the NOTCH3 protein (p.Arg182His). This variant is present in population databases (rs767175703, gnomAD 0.003%). This variant has not been reported in the literature in individuals affected with NOTCH3-related conditions. ClinVar contains an entry for this variant (Variation ID: 447857). Invitae Evidence Modeling of protein sequence and biophysical properties (such as structural, functional, and spatial information, amino acid conservation, physicochemical variation, residue mobility, and thermodynamic stability) indicates that this missense variant is not expected to disrupt NOTCH3 protein function with a negative predictive value of 95%. This variant disrupts the p.Arg182 amino acid residue in NOTCH3. Other variant(s) that disrupt this residue have been determined to be pathogenic (PMID: 12395806, 16009764). This suggests that this residue is clinically significant, and that variants that disrupt this residue are likely to be disease-causing. In summary, the available evidence is currently insufficient to determine the role of this variant in disease. Therefore, it has been classified as a Variant of Uncertain Significance.

Mayo Clinic Laboratories, Mayo Clinic
Classification: Likely benign. Last evaluated: 2024-09-16. Review status: criteria provided, single submitter. Criteria: ACMG Guidelines, 2015. Collection method: clinical testing. Allele origin: germline. Observed: 2 variant alleles.
Comment: BP1, BP4

3billion
Classification: Uncertain significance for Cerebral arteriopathy, autosomal dominant, with subcortical infarcts and leukoencephalopathy, type 1. Last evaluated: 2024-06-07. Review status: criteria provided, single submitter. Criteria: ACMG Guidelines, 2015. Collection method: clinical testing. Allele origin: germline. Affected: yes.
Comment: The variant is observed at an extremely low frequency in the gnomAD v4.0.0 dataset (total allele frequency: <0.001%). Predicted Consequence/Location: Missense changes are a common disease-causing mechanism. In silico tool predictions suggest damaging effect of the variant on gene or gene product [3Cnet: 0.61 (>=0.6, sensitivity 0.72 and precision 0.9)]. Different missense changes at the same codon (p.Arg182Cys, p.Arg182Pro) have been reported as pathogenic/likely pathogenic with strong evidence (ClinVar ID: VCV000009220 /PMID: 34926252, 8878478). Therefore, this variant is classified as VUS according to the recommendation of ACMG/AMP guideline.

Athena Diagnostics
Classification: Uncertain significance. Last evaluated: 2017-03-30. Review status: criteria provided, single submitter. Criteria: Athena Diagnostics Criteria. Collection method: clinical testing. Allele origin: germline.

Literature cited by the submitters: PubMed 12395806 (cited by Labcorp Genetics (formerly Invitae), Labcorp); PubMed 16009764 (cited by Labcorp Genetics (formerly Invitae), Labcorp); PubMed 34926252 (cited by 3billion); PubMed 35822697 (cited by 3billion).